The following is an entry in ClinVar:

ClinVar aggregate classification (germline): Benign. Review status: criteria provided, multiple submitters, no conflicts (2 of 4 stars). 2 submissions from 2 submitters: Benign (2). Last evaluated 2019-08-23.

Allele frequency attached by ClinVar (database versions not stated): gnomAD 0.09328 and 0.09353; gnomAD exomes 0.09908 and 0.10250; ExAC 0.09938; 1000 Genomes Project 0.10683; 1000 Genomes Project 30x 0.10618; ESP Exome Variant Server 0.09134.

Submissions (5):

GeneDx
Classification: Benign. Last evaluated: 2019-08-23. Review status: criteria provided, single submitter. Criteria: GeneDx Variant Classification Process June 2021. Collection method: clinical testing. Allele origin: germline. Affected: yes.
Comment: This variant is associated with the following publications: (PMID: 29748316)

Breakthrough Genomics
Classification: Benign. Review status: criteria provided, single submitter. Criteria: ACMG Guidelines, 2015. Collection method: not provided. Allele origin: germline. Inheritance: Unknown mechanism. Affected: yes.

Dr. Peter K. Rogan Lab, Western University
No classification provided (evidence only). Condition: Malignant lymphoma, large B-cell, diffuse. Review status: no classification provided. Collection method: in vitro. Allele origin: not applicable. Functional consequence: retained intron. Not counted in ClinVar's aggregate classification.

Dr. Peter K. Rogan Lab, Western University
No classification provided (evidence only). Condition: Cholangiocarcinoma. Review status: no classification provided. Collection method: in vitro. Allele origin: not applicable. Functional consequence: retained intron. Not counted in ClinVar's aggregate classification.

Dr. Peter K. Rogan Lab, Western University
No classification provided (evidence only). Condition: Uterine carcinosarcoma. Review status: no classification provided. Collection method: in vitro. Allele origin: not applicable. Functional consequence: retained intron. Not counted in ClinVar's aggregate classification.

NM_001320033.2(SLC22A14):c.1535C>T (p.Ala512Val)

Gene: SLC22A14 (solute carrier family 22 member 14; plus strand). Cytogenetic location: 3p22.2.
Variant type: single nucleotide variant.
Coding change: c.1535C>T on transcript NM_001320033.2 (MANE Select); coding-DNA position 1535, C replaced by T.
Protein change: p.Ala512Val; replaces alanine 512 with valine.
Molecular consequence: missense variant.
Genome position (GRCh38, 1-based): chr3:38,316,326, C>T. VCF-style: chr3-38316326-C-T. GRCh37 (hg19) VCF-style: chr3-38357817-C-T.
Other names: NC_000003.11:g.38357817C>T; c.1535C>T, p.Ala512Val (NM_004803.4); short protein forms A512V.
Identifiers: ClinVar variation 1181322 (VCV001181322.4), dbSNP rs2070492, ClinGen allele CA2317894.